The following is an entry in ClinVar:

ClinVar aggregate classification (germline): Benign (1 of 4 stars; one submission).

Submission:

GeneDx
Classification: Benign. Last evaluated: 2018-06-16. Review status: criteria provided, single submitter. Criteria: GeneDx Variant Classification (06012015). Collection method: clinical testing. Allele origin: germline. Affected: yes.
Comment: This variant is considered likely benign or benign based on one or more of the following criteria: it is a conservative change, it occurs at a poorly conserved position in the protein, it is predicted to be benign by multiple in silico algorithms, and/or has population frequency not consistent with disease.

NM_005343.4(HRAS):c.-53-40_-53-35del

Genes: HRAS (HRas proto-oncogene, GTPase; minus strand), LRRC56 (leucine rich repeat containing 56; plus strand). Cytogenetic location: 11p15.5.
Variant type: Deletion.
Coding change: c.-53-40_-53-35del on transcript NM_005343.4 (MANE Select); 40 bases into the intron before 53 bases upstream of the start codon through 35 bases into the intron before 53 bases upstream of the start codon, 6 bases deleted (GCTGGG; older notation c.-53-40_-53-35delGCTGGG).
Molecular consequence: intron variant.
Genome position (GRCh38, 1-based): chr11:534,410-534,415, CCCAGC deleted on the plus strand (GCTGGG on the coding strand, the reverse complement: HRAS is on the minus strand); deleting any 6 consecutive bases within chr11:534,410-534,420 gives the same sequence; the c. name uses the placement nearest the transcript's 3' end. VCF-style (leftmost placement, unchanged base first): chr11-534409-GCCCAGC-G. GRCh37 (hg19) VCF-style: chr11-534409-GCCCAGC-G.
Other names: c.-53-40_-53-35del (NM_001130442.3, NM_176795.5); c.-372-40_-372-35del (NM_001318054.2); c.-53-40_-53-35delGCTGGG (NM_005343.2).
Identifiers: ClinVar variation 561359 (VCV000561359.1), dbSNP rs544630615, ClinGen allele CA216883494.